The following is an entry in ClinVar:

NM_015627.3(LDLRAP1):c.626C>T (p.Thr209Ile)

Gene: LDLRAP1 (low density lipoprotein receptor adaptor protein 1; plus strand). Cytogenetic location: 1p36.11.
Variant type: single nucleotide variant.
Coding change: c.626C>T on transcript NM_015627.3 (MANE Select); coding-DNA position 626, C replaced by T.
Protein change: p.Thr209Ile; replaces threonine 209 with isoleucine.
Molecular consequence: missense variant.
Genome position (GRCh38, 1-based): chr1:25,563,670, C>T. VCF-style: chr1-25563670-C-T. GRCh37 (hg19) VCF-style: chr1-25890161-C-T.
Other names: short protein forms T209I.
Identifiers: ClinVar variation 468288 (VCV000468288.9), dbSNP rs141522360, ClinGen allele CA695682.

ClinVar aggregate classification (germline): Conflicting classifications of pathogenicity. Review status: criteria provided, conflicting classifications (1 of 4 stars). 5 submissions from 5 submitters: Uncertain significance (3); Benign (1). 1 of the submissions does not count toward it. Last evaluated 2025-03-30.

Conditions:
Cardiovascular phenotype. Identifiers: MedGen CN230736.
Familial hypercholesterolemia. Also called: Familial hypercholesterolemias; Familial hypercholesterolaemia. Identifiers: MedGen C0020445, MONDO:0005439.
Hypercholesterolemia, familial, 4 (FHCL4). Also called: HYPERCHOLESTEROLEMIA, AUTOSOMAL RECESSIVE, 1; HYPERCHOLESTEROLEMIA, AUTOSOMAL RECESSIVE, 2. Identifiers: Orphanet 391665, MedGen C1863512, MONDO:0011374, OMIM 603813.

Allele frequency attached by ClinVar (database versions not stated): ESP Exome Variant Server 0.00038; gnomAD 0.00038; TOPMed 0.00051; 1000 Genomes Project 30x 0.00078; 1000 Genomes Project 0.00080.

Submissions (5):

Ambry Genetics
Classification: Benign for Cardiovascular phenotype. Last evaluated: 2025-03-30. Review status: criteria provided, single submitter. Criteria: Ambry Variant Classification Scheme 2023. Collection method: clinical testing. Allele origin: germline.

Genome-Nilou Lab
Classification: Uncertain significance for Hypercholesterolemia, familial, 4. Last evaluated: 2023-04-11. Review status: criteria provided, single submitter. Criteria: ACMG Guidelines, 2015. Collection method: clinical testing. Allele origin: germline. Affected: no.

Fulgent Genetics
Classification: Uncertain significance for Hypercholesterolemia, familial, 4. Last evaluated: 2021-12-07. Review status: criteria provided, single submitter. Criteria: ACMG Guidelines, 2015. Collection method: clinical testing. Allele origin: unknown.

Labcorp Genetics (formerly Invitae), Labcorp
Classification: Uncertain significance for Hypercholesterolemia, familial, 4. Last evaluated: 2021-09-09. Review status: criteria provided, single submitter. Criteria: Invitae Variant Classification Sherloc (09022015). Collection method: clinical testing. Allele origin: germline.
Comment: This sequence change replaces threonine with isoleucine at codon 209 of the LDLRAP1 protein (p.Thr209Ile). The threonine residue is moderately conserved and there is a moderate physicochemical difference between threonine and isoleucine. This variant is present in population databases (rs141522360, ExAC 0.1%). This variant has not been reported in the literature in individuals affected with LDLRAP1-related conditions. Algorithms developed to predict the effect of missense changes on protein structure and function are either unavailable or do not agree on the potential impact of this missense change (SIFT: "Deleterious"; PolyPhen-2: "Possibly Damaging"; Align-GVGD: "Class C0"). In summary, the available evidence is currently insufficient to determine the role of this variant in disease. Therefore, it has been classified as a Variant of Uncertain Significance.

Natera, Inc.
Classification: Uncertain significance for Familial hypercholesterolemia. Last evaluated: 2020-09-16. Review status: no assertion criteria provided. Collection method: clinical testing. Allele origin: germline. Not counted in ClinVar's aggregate classification.